The following is an entry in ClinVar:

ClinVar aggregate classification (germline): Benign/Likely benign. Review status: criteria provided, multiple submitters, no conflicts (2 of 4 stars). 5 submissions from 5 submitters: Benign (1); Likely benign (4). Last evaluated 2024-10-03.

Conditions:
Hereditary cancer-predisposing syndrome. Also called: Hereditary Cancer Syndrome; Hereditary neoplastic syndrome; Neoplastic Syndromes, Hereditary; Tumor predisposition. Identifiers: Orphanet 140162, MedGen C0027672, MeSH D009386, MONDO:0015356.
Familial cancer of breast. Also called: hereditary breast carcinoma; Hereditary breast cancer; BREAST CANCER, FAMILIAL. Identifiers: Orphanet 227535, MedGen C0346153, MONDO:0016419, OMIM 114480. Disease mechanism: loss of function.

Allele frequency attached by ClinVar (database versions not stated): gnomAD exomes below 0.00001; ExAC 0.00001; gnomAD 0.00001; ESP Exome Variant Server 0.00008.
gnomAD v4.1: 2 of 1,613,936 alleles (0.00012%); highest among the groups gnomAD compares: African/African-American, 0.0013%; no homozygotes.

Submissions (5):

Myriad Genetics, Inc.
Classification: Benign for Familial cancer of breast. Last evaluated: 2024-10-03. Review status: criteria provided, single submitter. Criteria: Myriad Autosomal Dominant, Autosomal Recessive and X-Linked Classification Criteria (2023). Collection method: clinical testing. Allele origin: unknown.
Comment: This variant is considered benign. This variant is a silent/synonymous amino acid change and it is not expected to impact splicing.

Labcorp Genetics (formerly Invitae), Labcorp
Classification: Likely benign for Familial cancer of breast. Last evaluated: 2024-03-12. Review status: criteria provided, single submitter. Criteria: Invitae Variant Classification Sherloc (09022015). Collection method: clinical testing. Allele origin: germline.

Color Diagnostics, LLC DBA Color Health
Classification: Likely benign for Hereditary cancer-predisposing syndrome. Last evaluated: 2020-10-19. Review status: criteria provided, single submitter. Criteria: ACMG Guidelines, 2015. Collection method: clinical testing. Allele origin: germline.

Ambry Genetics
Classification: Likely benign for Hereditary cancer-predisposing syndrome. Last evaluated: 2019-03-21. Review status: criteria provided, single submitter. Criteria: Ambry Variant Classification Scheme 2023. Collection method: clinical testing. Allele origin: germline.

GeneDx
Classification: Likely benign. Last evaluated: 2016-05-04. Review status: criteria provided, single submitter. Criteria: GeneDx Variant Classification (06012015). Collection method: clinical testing. Allele origin: germline. Affected: yes.
Comment: This variant is considered likely benign or benign based on one or more of the following criteria: it is a conservative change, it occurs at a poorly conserved position in the protein, it is predicted to be benign by multiple in silico algorithms, and/or has population frequency not consistent with disease.

NM_007194.4(CHEK2):c.726A>G (p.Thr242=)

Gene: CHEK2 (checkpoint kinase 2; minus strand). Cytogenetic location: 22q12.1.
Variant type: single nucleotide variant.
Coding change: c.726A>G on transcript NM_007194.4 (MANE Select); coding-DNA position 726, A replaced by G.
Protein change: p.Thr242=; no amino-acid change (threonine 242 retained).
Molecular consequence: synonymous variant.
Genome position (GRCh38, 1-based): chr22:28,711,975, T>C on the plus strand (A>G on the coding strand, the complement: CHEK2 is on the minus strand). VCF-style: chr22-28711975-T-C. GRCh37 (hg19) VCF-style: chr22-29107963-T-C.
Other names: c.855A>G, p.Thr285= (NM_001005735.3); c.63A>G, p.Thr21= (NM_001257387.3); c.525A>G, p.Thr175= (NM_001349956.3); c.726A>G, p.Thr242= (NM_145862.3).
Identifiers: ClinVar variation 386103 (VCV000386103.18), dbSNP rs150150389, ClinGen allele CA10167890.
Genomic context (GRCh38, chr22:28,711,975, plus strand): 5'-TCTTGCTGAACCAATAGCAAACTTCCTTTTGCTGATGATCTTTATGGCTACTTTCTTACA[T>C]GTTTTCCTCTCGAAAGCCAGCTTTACCTCTCCACAGGCACCACTAGAGGGAAAAACAAAG-3'
Protein context (NP_009125.1, residues 232-252): GEVKLAFERK[Thr242=]CKKVAIKIIS